The following is an entry in ClinVar:

ClinVar aggregate classification (germline): Benign. Review status: criteria provided, multiple submitters, no conflicts (2 of 4 stars). 3 submissions from 3 submitters: Benign (2). 1 of the submissions does not count toward it. Last evaluated 2019-12-31.

Conditions:
ZNF407-related disorder. Also called: ZNF407-related condition.

Allele frequency attached by ClinVar (database versions not stated): gnomAD exomes 0.00148; ExAC 0.00188; 1000 Genomes Project 0.00579; gnomAD 0.00585 and 0.00629; 1000 Genomes Project 30x 0.00593; ESP Exome Variant Server 0.00632; TOPMed 0.00634.
gnomAD v4.1: 1,675 of 1,614,076 alleles (0.1%); highest among the groups gnomAD compares: African/African-American, 2%; 16 homozygotes.

Submissions (3):

Labcorp Genetics (formerly Invitae), Labcorp
Classification: Benign. Last evaluated: 2019-12-31. Review status: criteria provided, single submitter. Criteria: Invitae Variant Classification Sherloc (09022015). Collection method: clinical testing. Allele origin: germline.

Breakthrough Genomics
Classification: Benign. Review status: criteria provided, single submitter. Criteria: ACMG Guidelines, 2015. Collection method: not provided. Allele origin: germline. Inheritance: Autosomal recessive inheritance. Affected: yes.

PreventionGenetics, part of Exact Sciences
Classification: Benign for ZNF407-related condition. Last evaluated: 2020-10-20. Review status: no assertion criteria provided. Collection method: clinical testing. Allele origin: germline. Not counted in ClinVar's aggregate classification.
Comment: This variant is classified as benign based on ACMG/AMP sequence variant interpretation guidelines (Richards et al. 2015 PMID: 25741868, with internal and published modifications).

NM_017757.3(ZNF407):c.3059T>G (p.Leu1020Trp)

Genes: ZNF407 (zinc finger protein 407; plus strand), LOC126862798 (MED14-independent group 3 enhancer GRCh37_chr18:72345358-72346557; plus strand). Cytogenetic location: 18q22.3.
Variant type: single nucleotide variant.
Coding change: c.3059T>G on transcript NM_017757.3 (MANE Select); coding-DNA position 3059, T replaced by G.
Protein change: p.Leu1020Trp; replaces leucine 1020 with tryptophan.
Molecular consequence: missense variant.
Genome position (GRCh38, 1-based): chr18:74,634,078, T>G. VCF-style: chr18-74634078-T-G. GRCh37 (hg19) VCF-style: chr18-72346034-T-G.
Other names: c.3059T>G, p.Leu1020Trp (NM_001146189.1, NM_001146190.1, NM_001384475.1); short protein forms L1020W.
Identifiers: ClinVar variation 788811 (VCV000788811.7), dbSNP rs73971116, ClinGen allele CA9000620.